The following is an entry in ClinVar:

ClinVar aggregate classification (germline): Conflicting classifications of pathogenicity. Review status: criteria provided, conflicting classifications (1 of 4 stars). 2 submissions from 2 submitters: Likely pathogenic (1); Uncertain significance (1). Last evaluated 2023-10-23.

Conditions:
Hereditary pancreatitis (PCTT). Also called: Hereditary chronic pancreatitis; PRSS1-Related Hereditary Pancreatitis. Identifiers: Orphanet 676, MedGen C0238339, MONDO:0008185, OMIM 167800.

Submissions (2):

Ambry Genetics
Classification: Likely pathogenic for Hereditary pancreatitis. Last evaluated: 2023-10-23. Review status: criteria provided, single submitter. Criteria: Ambry Variant Classification Scheme 2023. Collection method: clinical testing. Allele origin: germline.
Comment: The c.494-1G>A intronic variant results from a G to A substitution one nucleotide upstream from coding exon 6 of the CTRC gene. In silico splice site analysis predicts that this alteration will weaken the native splice acceptor site and will result in the creation or strengthening of a novel splice acceptor site. The resulting transcript is predicted to be in-frame, and is not expected to trigger nonsense-mediated mRNA decay; however, direct evidence is unavailable. The exact functional effect of the altered amino acid sequence is unknown; however, a significant portion of the protein is affected (Ambry internal data). This variant is considered to be rare based on population cohorts in the Genome Aggregation Database (gnomAD). This nucleotide position is highly conserved in available vertebrate species. Based on the majority of available evidence to date, this variant is likely to be pathogenic.

Labcorp Genetics (formerly Invitae), Labcorp
Classification: Uncertain significance for Hereditary pancreatitis. Last evaluated: 2023-09-08. Review status: criteria provided, single submitter. Criteria: Invitae Variant Classification Sherloc (09022015). Collection method: clinical testing. Allele origin: germline.
Comment: This variant is not present in population databases (gnomAD no frequency). In summary, the available evidence is currently insufficient to determine the role of this variant in disease. Therefore, it has been classified as a Variant of Uncertain Significance. Algorithms developed to predict the effect of sequence changes on RNA splicing suggest that this variant may disrupt the consensus splice site. This variant has not been reported in the literature in individuals affected with CTRC-related conditions. This sequence change affects an acceptor splice site in intron 5 of the CTRC gene. It is expected to disrupt RNA splicing. Variants that disrupt the donor or acceptor splice site typically lead to a loss of protein function (PMID: 16199547), however the current clinical and genetic evidence is not sufficient to establish whether loss-of-function variants in CTRC cause disease.

Literature cited by the submitters: PubMed 16199547 (cited by Labcorp Genetics (formerly Invitae), Labcorp).

NM_007272.3(CTRC):c.494-1G>A

Gene: CTRC (chymotrypsin C; plus strand). Cytogenetic location: 1p36.21.
Variant type: single nucleotide variant.
Coding change: c.494-1G>A on transcript NM_007272.3 (MANE Select); the canonical splice acceptor site of the intron before coding-DNA position 494, G replaced by A.
Molecular consequence: splice acceptor variant.
Genome position (GRCh38, 1-based): chr1:15,444,605, G>A. VCF-style: chr1-15444605-G-A. GRCh37 (hg19) VCF-style: chr1-15771100-G-A.
Other names: c.494-1G>A (NM_007272.2).
Identifiers: ClinVar variation 2968924 (VCV002968924.4), dbSNP rs766917452, ClinGen allele CA338566858.